The following is an entry in ClinVar:

NM_001243925.2(MAPKAPK3):c.449T>C (p.Ile150Thr)

Gene: MAPKAPK3 (MAPK activated protein kinase 3; plus strand). Cytogenetic location: 3p21.2.
Variant type: single nucleotide variant.
Coding change: c.449T>C on transcript NM_001243925.2 (MANE Select); coding-DNA position 449, T replaced by C.
Protein change: p.Ile150Thr; replaces isoleucine 150 with threonine.
Molecular consequence: missense variant.
Genome position (GRCh38, 1-based): chr3:50,642,277, T>C. VCF-style: chr3-50642277-T-C. GRCh37 (hg19) VCF-style: chr3-50679708-T-C.
Other names: c.449T>C, p.Ile150Thr (NM_001243926.2, NM_004635.5); c.449T>C (NM_004635.4); short protein forms I150T.
Identifiers: ClinVar variation 839140 (VCV000839140.9), dbSNP rs757611175, ClinGen allele CA2420267.

ClinVar aggregate classification (germline): Uncertain significance. Review status: criteria provided, multiple submitters, no conflicts (2 of 4 stars). 2 submissions from 2 submitters: Uncertain significance (2). Last evaluated 2025-04-30.

Allele frequency attached by ClinVar (database versions not stated): ExAC 0.00001; gnomAD 0.00001.
gnomAD v4.1: 1 of 1,613,398 alleles (0.000062%); highest among the groups gnomAD compares: East Asian, 0.0022%; no homozygotes.

Submissions (2):

Ambry Genetics
Classification: Uncertain significance. Last evaluated: 2025-04-30. Review status: criteria provided, single submitter. Criteria: Ambry Variant Classification Scheme 2023. Collection method: clinical testing. Allele origin: germline.

Labcorp Genetics (formerly Invitae), Labcorp
Classification: Uncertain significance. Last evaluated: 2024-04-17. Review status: criteria provided, single submitter. Criteria: Invitae Variant Classification Sherloc (09022015). Collection method: clinical testing. Allele origin: germline.
Comment: This sequence change replaces isoleucine, which is neutral and non-polar, with threonine, which is neutral and polar, at codon 150 of the MAPKAPK3 protein (p.Ile150Thr). This variant is present in population databases (rs757611175, gnomAD 0.06%). This variant has not been reported in the literature in individuals affected with MAPKAPK3-related conditions. ClinVar contains an entry for this variant (Variation ID: 839140). An algorithm developed to predict the effect of missense changes on protein structure and function (PolyPhen-2) suggests that this variant is likely to be disruptive. In summary, the available evidence is currently insufficient to determine the role of this variant in disease. Therefore, it has been classified as a Variant of Uncertain Significance.